The following continues an entry in ClinVar:

NM_000419.5(ITGA2B):c.3076C>T (p.Arg1026Trp)

Gene: ITGA2B. ClinVar aggregate classification (germline): Uncertain significance. Uncertain significance (1).

Submissions 12 to 18 of 18:

ISTH-SSC Genomics in Thrombosis and Hemostasis, KU Leuven, Center for Molecular and Vascular Biology
Classification: Likely pathogenic for Platelet-type bleeding disorder 16. Review status: criteria provided, single submitter. Criteria: ACMG Guidelines, 2015. Collection method: clinical testing. Allele origin: germline. Affected: yes. Observed: 3 heterozygotes. Clinical features observed: Macrothrombocytopenia, Thrombocytopenia. Not counted in ClinVar's aggregate classification.
Comment: Submitted to GoldVariant by Kathleen Freson, Center for Molecular and Vascular Biology, Leuven, Belgium and Dr Marie-Christine Morel-Kopp; Northern Blood Research Centre, Sydney, Australia

Juno Genomics, Hangzhou Juno Genomics, Inc
Classification: Uncertain significance for Fetomaternal alloimmune thrombocytopenia 2; Platelet-type bleeding disorder 16. Review status: criteria provided, single submitter. Criteria: ACMG Guidelines, 2015. Collection method: clinical testing. Allele origin: germline. Affected: yes. Not counted in ClinVar's aggregate classification.
Comment: Absent from controls (or at extremely low frequency if recessive) in Genome Aggregation Database, Exome Sequencing Project, 1000 Genomes Project, or Exome Aggregation Consortium.;Multiple lines of computational evidence support a deleterious effect on the gene or gene product (conservation, evolutionary, splicing impact, etc).

Wangler Lab, Baylor College of Medicine
Classification: Pathogenic for Platelet-type bleeding disorder 16. Review status: criteria provided, single submitter. Criteria: ACMG Guidelines, 2015. Collection method: clinical testing. Allele origin: inherited. Affected: yes. Observed: 1 homozygote. Not counted in ClinVar's aggregate classification.
Comment: This missense ITGA2B variant at c.3076C>T (p.R1026W) was discovered on exome through the Texome Project (R01HG011795). It is reported in the heterozygous state in individuals with ITGA2B-related disorders including autosomal dominant macrothrombocytopenia and autosomal dominant thrombocytopenia with normal platelet size (PMID: 21454453, 29090484, 31064749, 31119735, 32581362). Functional studies suggest this variant is functionally defective (PMID: 21454453, 31691484) (PS3). This variant has not been observed in gnomAD (PM2) and is predicted to be deleterious by multiple computational models (CADD:25.200) (PP3). The evolutionary conservation of this residue is high. We classify this variant as pathogenic.

Biochemical Molecular Genetic Laboratory, King Abdulaziz Medical City
Classification: Pathogenic for Platelet-type bleeding disorder 16. Last evaluated: 2020-02-05. Review status: no assertion criteria provided. Collection method: clinical testing. Allele origin: germline. Affected: yes. Not counted in ClinVar's aggregate classification.

NIHR Bioresource Rare Diseases, University of Cambridge
Classification: Pathogenic for Thrombocytopenia. Last evaluated: 2019-09-01. Review status: no assertion criteria provided. Collection method: research. Allele origin: unknown. Affected: yes. Observed: 1 variant allele. Not counted in ClinVar's aggregate classification.
Comment: The clinical significance is unchnaged from the previous submission.

OMIM
Classification: Pathogenic for BLEEDING DISORDER, PLATELET-TYPE, 16. Last evaluated: 2011-05-19. Review status: no assertion criteria provided. Collection method: literature only. Allele origin: germline. Not counted in ClinVar's aggregate classification.

NIHR Bioresource Rare Diseases, University of Cambridge
Classification: Pathogenic for Thrombocytopenia. Last evaluated: 2019-02-01. Review status: flagged submission. Criteria: ACMG Guidelines, 2015. Collection method: research. Allele origin: unknown. Affected: yes. Observed: 2 heterozygotes. Study: ThromboGenomics. Not counted in ClinVar's aggregate classification.
ClinVar note: Reason: This record appears to be redundant with a more recent record from the same submitter.
ClinVar note: Notes: SCV000899328 appears to be redundant with SCV001161856.

Literature cited by the submitters: PubMed 21454453 (cited by 7 submitters); PubMed 12575292 (cited by Department of Molecular Genetics, Istishari Arab Hospital and 3billion); PubMed 29090484 (cited by 3 submitters); PubMed 31119735 (cited by Labcorp Genetics (formerly Invitae), Labcorp and Wangler Lab, Baylor College of Medicine); PubMed 31691484 (cited by Women's Health and Genetics/Laboratory Corporation of America, LabCorp); PubMed 31064749 (cited by Wangler Lab, Baylor College of Medicine and NIHR Bioresource Rare Diseases, University of Cambridge); PubMed 32581362 (cited by Wangler Lab, Baylor College of Medicine and NIHR Bioresource Rare Diseases, University of Cambridge).